The following is an entry in ClinVar:

NM_000369.5(TSHR):c.1225G>T (p.Glu409Ter)

Genes: TSHR (thyroid stimulating hormone receptor; plus strand), TSHR-AS1 (TSHR antisense RNA 1; minus strand). Cytogenetic location: 14q31.1.
Variant type: single nucleotide variant.
Coding change: c.1225G>T on transcript NM_000369.5 (MANE Select); coding-DNA position 1225, G replaced by T.
Protein change: p.Glu409Ter; replaces glutamic acid 409 with a stop codon.
Molecular consequence: nonsense.
Genome position (GRCh38, 1-based): chr14:81,143,283, G>T. VCF-style: chr14-81143283-G-T. GRCh37 (hg19) VCF-style: chr14-81609627-G-T.
Other names: short protein forms E409*.
Identifiers: ClinVar variation 1810587 (VCV001810587.5), dbSNP rs149237353, ClinGen allele CA263935232.

ClinVar aggregate classification (germline): Conflicting classifications of pathogenicity. Review status: criteria provided, conflicting classifications (1 of 4 stars). 3 submissions from 3 submitters: Pathogenic (1); Likely pathogenic (1); Uncertain significance (1). Last evaluated 2026-01-14.

Conditions:
Familial hyperthyroidism due to mutations in TSH receptor. Also called: TOXIC THYROID HYPERPLASIA, AUTOSOMAL DOMINANT; HYPERTHYROIDISM, CONGENITAL NONAUTOIMMUNE; HYPERTHYROIDISM, NONAUTOIMMUNE, AUTOSOMAL DOMINANT. Identifiers: Orphanet 424, MedGen C1836706, MONDO:0012203, OMIM 609152.
Familial gestational hyperthyroidism. Identifiers: Orphanet 99819, MedGen C1863959, MONDO:0011309, OMIM 603373.
Hypothyroidism due to TSH receptor mutations. Also called: HYPOTHYROIDISM DUE TO UNRESPONSIVENESS TO THYROTROPIN; HYPOTHYROIDISM, CONGENITAL, DUE TO TSH RESISTANCE; HYPOTHYROIDISM, NONAUTOIMMUNE; THYROID-STIMULATING HORMONE, RESISTANCE TO; TSH RESISTANCE; Hypothyroidism, congenital, nongoitrous, 1. Identifiers: Orphanet 90673, MedGen C3493776, MONDO:0010142, OMIM 275200.

Allele frequency attached by ClinVar (database versions not stated): gnomAD exomes 0.00001; gnomAD 0.00006; ESP Exome Variant Server 0.00015.
gnomAD v4.1: 30 of 1,614,068 alleles (0.0019%); highest among the groups gnomAD compares: African/African-American, 0.0027%; no homozygotes.

Submissions (3):

Labcorp Genetics (formerly Invitae), Labcorp
Classification: Pathogenic. Last evaluated: 2026-01-14. Review status: criteria provided, single submitter. Criteria: Invitae Variant Classification Sherloc (09022015). Collection method: clinical testing. Allele origin: germline.
Comment: This sequence change creates a premature translational stop signal (p.Glu409*) in the TSHR gene. While this is not anticipated to result in nonsense mediated decay, it is expected to disrupt the last 356 amino acid(s) of the TSHR protein. This variant is present in population databases (rs149237353, gnomAD 0.004%). This variant has not been reported in the literature in individuals affected with TSHR-related conditions. ClinVar contains an entry for this variant (Variation ID: 1810587). This variant disrupts a region of the TSHR protein in which other variant(s) (p.Trp546*) have been determined to be pathogenic (PMID: 8954020, 9100579, 12629076, 14725684). This suggests that this is a clinically significant region of the protein, and that variants that disrupt it are likely to be disease-causing. For these reasons, this variant has been classified as Pathogenic.

Fulgent Genetics
Classification: Likely pathogenic for Hypothyroidism due to TSH receptor mutations; Familial gestational hyperthyroidism; Familial hyperthyroidism due to mutations in TSH receptor. Last evaluated: 2024-04-30. Review status: criteria provided, single submitter. Criteria: ACMG Guidelines, 2015. Collection method: clinical testing. Allele origin: germline.

GeneDx
Classification: Uncertain significance. Last evaluated: 2022-07-06. Review status: criteria provided, single submitter. Criteria: GeneDx Variant Classification Process June 2021. Collection method: clinical testing. Allele origin: germline. Affected: yes.
Comment: Nonsense variant in the C-terminus predicted to result in protein truncation, as the last 356 amino acids are lost, and other loss-of-function variants have been reported downstream in HGMD; Has not been previously published in association with TSHR-related disorders to our knowledge; This variant is associated with the following publications: (PMID: 34200080)

Literature cited by the submitters: PubMed 8954020 (cited by Labcorp Genetics (formerly Invitae), Labcorp); PubMed 9100579 (cited by Labcorp Genetics (formerly Invitae), Labcorp); PubMed 12629076 (cited by Labcorp Genetics (formerly Invitae), Labcorp); PubMed 14725684 (cited by Labcorp Genetics (formerly Invitae), Labcorp).